The following is an entry in ClinVar:

NM_003331.5(TYK2):c.1670-3C>G

Gene: TYK2 (tyrosine kinase 2; minus strand). Cytogenetic location: 19p13.2.
Variant type: single nucleotide variant.
Coding change: c.1670-3C>G on transcript NM_003331.5 (MANE Select); 3 bases into the intron before coding-DNA position 1670, C replaced by G.
Molecular consequence: intron variant.
Genome position (GRCh38, 1-based): chr19:10,362,184, G>C on the plus strand (C>G on the coding strand, the complement: TYK2 is on the minus strand). VCF-style: chr19-10362184-G-C. GRCh37 (hg19) VCF-style: chr19-10472860-G-C.
Other names: c.1670-3C>G (NM_001385199.1, NM_001385207.1, NM_001385202.1 and 5 more transcripts); c.1580-3C>G (NM_001385205.1); c.1472-3C>G (NM_001385201.1); c.1544-3C>G (NM_001385206.1).
Identifiers: ClinVar variation 1482169 (VCV001482169.6), dbSNP rs2041441123, ClinGen allele CA2322391884.

ClinVar aggregate classification (germline): Uncertain significance (1 of 4 stars; one submission).

Conditions:
Immunodeficiency 35 (IMD35). Also called: Susceptibility to infection due to TYK2 deficiency; TYK2 DEFICIENCY; HIES WITH ATYPICAL MYCOBACTERIOSIS, AUTOSOMAL RECESSIVE; HYPER-IgE SYNDROME WITH ATYPICAL MYCOBACTERIOSIS, AUTOSOMAL RECESSIVE. Identifiers: Orphanet 331226, MedGen C1969086, MONDO:0012682, OMIM 611521.

Allele frequency attached by ClinVar (database versions not stated): TOPMed below 0.00001.
gnomAD v4.1: 2 of 1,613,938 alleles (0.00012%); highest among the groups gnomAD compares: Non-Finnish European, 0.00017%; no homozygotes.

Submission:

Labcorp Genetics (formerly Invitae), Labcorp
Classification: Uncertain significance for Immunodeficiency 35. Last evaluated: 2024-02-17. Review status: criteria provided, single submitter. Criteria: Invitae Variant Classification Sherloc (09022015). Collection method: clinical testing. Allele origin: germline.
Comment: This sequence change falls in intron 11 of the TYK2 gene. It does not directly change the encoded amino acid sequence of the TYK2 protein. It affects a nucleotide within the consensus splice site. This variant is not present in population databases (gnomAD no frequency). This variant has not been reported in the literature in individuals affected with TYK2-related conditions. ClinVar contains an entry for this variant (Variation ID: 1482169). Variants that disrupt the consensus splice site are a relatively common cause of aberrant splicing (PMID: 17576681, 9536098). Algorithms developed to predict the effect of sequence changes on RNA splicing suggest that this variant may disrupt the consensus splice site. In summary, the available evidence is currently insufficient to determine the role of this variant in disease. Therefore, it has been classified as a Variant of Uncertain Significance.

Literature cited by the submitters: PubMed 17576681; PubMed 9536098.